The following is an entry in ClinVar:

ClinVar aggregate classification (germline): Uncertain significance (1 of 4 stars; one submission).

gnomAD v4.1: 1 of 1,613,200 alleles (0.000062%); highest among the groups gnomAD compares: Non-Finnish European, 0.000085%; no homozygotes.

Submission:

Labcorp Genetics (formerly Invitae), Labcorp
Classification: Uncertain significance. Last evaluated: 2025-05-11. Review status: criteria provided, single submitter. Criteria: Invitae Variant Classification Sherloc (09022015). Collection method: clinical testing. Allele origin: germline.
Comment: This sequence change replaces asparagine, which is neutral and polar, with serine, which is neutral and polar, at codon 906 of the LEMD3 protein (p.Asn906Ser). This variant is present in population databases (rs759470441, gnomAD 0.006%). This variant has not been reported in the literature in individuals affected with LEMD3-related conditions. An algorithm developed to predict the effect of missense changes on protein structure and function outputs the following: PolyPhen-2: "Benign". The serine amino acid residue is found in multiple mammalian species, which suggests that this missense change does not adversely affect protein function. In summary, the available evidence is currently insufficient to determine the role of this variant in disease. Therefore, it has been classified as a Variant of Uncertain Significance.

NM_014319.5(LEMD3):c.2717A>G (p.Asn906Ser)

Gene: LEMD3 (LEM domain containing 3; plus strand). Cytogenetic location: 12q14.3.
Variant type: single nucleotide variant.
Coding change: c.2717A>G on transcript NM_014319.5 (MANE Select); coding-DNA position 2717, A replaced by G.
Protein change: p.Asn906Ser; replaces asparagine 906 with serine.
Molecular consequence: missense variant.
Genome position (GRCh38, 1-based): chr12:65,246,306, A>G. VCF-style: chr12-65246306-A-G. GRCh37 (hg19) VCF-style: chr12-65640086-A-G.
Other names: c.2714A>G, p.Asn905Ser (NM_001167614.2); short protein forms N905S, N906S.
Identifiers: ClinVar variation 4718910 (VCV004718910.1).